The following is an entry in ClinVar:

NM_032482.3(DOT1L):c.3127A>G (p.Arg1043Gly)

Gene: DOT1L (DOT1 like histone lysine methyltransferase; plus strand). Cytogenetic location: 19p13.3.
Variant type: single nucleotide variant.
Coding change: c.3127A>G on transcript NM_032482.3 (MANE Select); coding-DNA position 3127, A replaced by G.
Protein change: p.Arg1043Gly; replaces arginine 1043 with glycine.
Molecular consequence: missense variant.
Genome position (GRCh38, 1-based): chr19:2,222,296, A>G. VCF-style: chr19-2222296-A-G. GRCh37 (hg19) VCF-style: chr19-2222295-A-G.
Other names: c.3127A>G, p.Arg1043Gly (NM_001411141.1); short protein forms R1043G.
Identifiers: ClinVar variation 3384311 (VCV003384311.1).

ClinVar aggregate classification (germline): Uncertain significance (1 of 4 stars; one submission).

Submission:

GeneDx
Classification: Uncertain significance. Last evaluated: 2024-06-07. Review status: criteria provided, single submitter. Criteria: GeneDx Variant Classification Process June 2021. Collection method: clinical testing. Allele origin: germline. Affected: yes.
Comment: Not observed at significant frequency in large population cohorts (gnomAD); In silico analysis supports that this missense variant has a deleterious effect on protein structure/function; Has not been previously published as pathogenic or benign to our knowledge